The following is an entry in ClinVar:

NM_001243133.2(NLRP3):c.951C>T (p.Cys317=)

Gene: NLRP3 (NLR family pyrin domain containing 3; plus strand). Cytogenetic location: 1q44.
Variant type: single nucleotide variant.
Coding change: c.951C>T on transcript NM_001243133.2 (MANE Select); coding-DNA position 951, C replaced by T.
Protein change: p.Cys317=; no amino-acid change (cysteine 317 retained).
Molecular consequence: synonymous variant.
Genome position (GRCh38, 1-based): chr1:247,424,400, C>T. VCF-style: chr1-247424400-C-T. GRCh37 (hg19) VCF-style: chr1-247587702-C-T.
Other names: c.951C>T, p.Cys317= (NM_001079821.3, NM_001127461.3, NM_001127462.3 and 1 more transcripts); c.957C>T, p.Cys319= (NM_004895.5).
Identifiers: ClinVar variation 2640243 (VCV002640243.24), dbSNP rs2527263298, ClinGen allele CA424573442.

ClinVar aggregate classification (germline): Likely benign (1 of 4 stars; one submission).

Submission:

CeGaT Center for Human Genetics Tuebingen
Classification: Likely benign. Last evaluated: 2023-03-01. Review status: criteria provided, single submitter. Criteria: CeGaT Center For Human Genetics Tuebingen Variant Classification Criteria Version 2. Collection method: clinical testing. Allele origin: germline. Affected: yes. Observed: 1 variant allele.
Comment: NLRP3: PM2:Supporting, BP4, BP7